The following is an entry in ClinVar:

ClinVar aggregate classification (germline): Uncertain significance. Review status: criteria provided, multiple submitters, no conflicts (2 of 4 stars). 3 submissions from 3 submitters: Uncertain significance (3). Last evaluated 2025-07-30.

Conditions:
Fanconi anemia complementation group A (FANCA). Also called: FANCA-Related Fanconi Anemia; Fanconi anemia, group A. Identifiers: Orphanet 84, MedGen C3469521, MONDO:0009215, OMIM 227650.
Inborn genetic diseases. Identifiers: MedGen C0950123, MeSH D030342.
Fanconi anemia (FA). Also called: Fanconi's anemia. Identifiers: Orphanet 84, MedGen C0015625, MeSH D005199, MONDO:0019391.

Allele frequency attached by ClinVar (database versions not stated): TOPMed below 0.00001; gnomAD exomes 0.00001.
gnomAD v4.1: 9 of 1,614,172 alleles (0.00056%); highest among the groups gnomAD compares: African/African-American, 0.0027%; no homozygotes.

Submissions (3):

Labcorp Genetics (formerly Invitae), Labcorp
Classification: Uncertain significance for Fanconi anemia. Last evaluated: 2025-07-30. Review status: criteria provided, single submitter. Criteria: Invitae Variant Classification Sherloc (09022015). Collection method: clinical testing. Allele origin: germline.
Comment: This sequence change replaces leucine, which is neutral and non-polar, with methionine, which is neutral and non-polar, at codon 375 of the FANCA protein (p.Leu375Met). This variant is not present in population databases (gnomAD no frequency). This variant has not been reported in the literature in individuals affected with FANCA-related conditions. ClinVar contains an entry for this variant (Variation ID: 1405400). Invitae Evidence Modeling of protein sequence and biophysical properties (such as structural, functional, and spatial information, amino acid conservation, physicochemical variation, residue mobility, and thermodynamic stability) indicates that this missense variant is not expected to disrupt FANCA protein function with a negative predictive value of 95%. In summary, the available evidence is currently insufficient to determine the role of this variant in disease. Therefore, it has been classified as a Variant of Uncertain Significance.

Ambry Genetics
Classification: Uncertain significance for Inborn genetic diseases. Last evaluated: 2025-06-22. Review status: criteria provided, single submitter. Criteria: Ambry Variant Classification Scheme 2023. Collection method: clinical testing. Allele origin: germline.
Comment: The p.L375M variant (also known as c.1123T>A), located in coding exon 13 of the FANCA gene, results from a T to A substitution at nucleotide position 1123. The leucine at codon 375 is replaced by methionine, an amino acid with highly similar properties. This amino acid position is conserved. In addition, this alteration is predicted to be tolerated by in silico analysis. Based on the available evidence, the clinical significance of this variant remains unclear.

Fulgent Genetics
Classification: Uncertain significance for Fanconi anemia complementation group A. Last evaluated: 2024-06-06. Review status: criteria provided, single submitter. Criteria: ACMG Guidelines, 2015. Collection method: clinical testing. Allele origin: germline.

NM_000135.4(FANCA):c.1123T>A (p.Leu375Met)

Gene: FANCA (FA complementation group A; minus strand). Cytogenetic location: 16q24.3.
Variant type: single nucleotide variant.
Coding change: c.1123T>A on transcript NM_000135.4 (MANE Select); coding-DNA position 1123, T replaced by A.
Protein change: p.Leu375Met; replaces leucine 375 with methionine.
Molecular consequence: missense variant.
Genome position (GRCh38, 1-based): chr16:89,792,029, A>T on the plus strand (T>A on the coding strand, the complement: FANCA is on the minus strand). VCF-style: chr16-89792029-A-T. GRCh37 (hg19) VCF-style: chr16-89858437-A-T.
Other names: c.1123T>A, p.Leu375Met (NM_001286167.3); c.1123T>A (NM_000135.2); short protein forms L375M.
Identifiers: ClinVar variation 1405400 (VCV001405400.8), dbSNP rs2040093515, ClinGen allele CA397466255.